The following is an entry in ClinVar:

ClinVar aggregate classification (germline): Uncertain significance (1 of 4 stars; one submission).

Conditions:
Rhabdoid tumor predisposition syndrome 2 (RTPS2). Identifiers: Orphanet 231108, Orphanet 69077, MedGen C2750074, MONDO:0013224, OMIM 613325.

Submission:

Labcorp Genetics (formerly Invitae), Labcorp
Classification: Uncertain significance for Rhabdoid tumor predisposition syndrome 2. Last evaluated: 2025-04-30. Review status: criteria provided, single submitter. Criteria: Invitae Variant Classification Sherloc (09022015). Collection method: clinical testing. Allele origin: germline.
Comment: This sequence change replaces alanine, which is neutral and non-polar, with threonine, which is neutral and polar, at codon 245 of the SMARCA4 protein (p.Ala245Thr). This variant is not present in population databases (gnomAD no frequency). This variant has not been reported in the literature in individuals affected with SMARCA4-related conditions. ClinVar contains an entry for this variant (Variation ID: 1036586). Invitae Evidence Modeling of protein sequence and biophysical properties (such as structural, functional, and spatial information, amino acid conservation, physicochemical variation, residue mobility, and thermodynamic stability) indicates that this missense variant is not expected to disrupt SMARCA4 protein function with a negative predictive value of 95%. In summary, the available evidence is currently insufficient to determine the role of this variant in disease. Therefore, it has been classified as a Variant of Uncertain Significance.

NM_003072.5(SMARCA4):c.733G>A (p.Ala245Thr)

Gene: SMARCA4 (SWI/SNF related BAF chromatin remodeling complex subunit ATPase 4; plus strand). Cytogenetic location: 19p13.2.
Variant type: single nucleotide variant.
Coding change: c.733G>A on transcript NM_003072.5 (MANE Select); coding-DNA position 733, G replaced by A.
Protein change: p.Ala245Thr; replaces alanine 245 with threonine.
Molecular consequence: missense variant. On other transcripts: non-coding transcript variant (1).
Genome position (GRCh38, 1-based): chr19:10,986,566, G>A. VCF-style: chr19-10986566-G-A. GRCh37 (hg19) VCF-style: chr19-11097242-G-A.
Other names: c.733G>A, p.Ala245Thr (NM_001128844.3, NM_001128845.2, NM_001128846.2 and 5 more transcripts); short protein forms A245T.
Identifiers: ClinVar variation 1036586 (VCV001036586.8), dbSNP rs2086060359, ClinGen allele CA404057222.